The following is an entry in ClinVar:

ClinVar aggregate classification (germline): Conflicting classifications of pathogenicity. Review status: criteria provided, conflicting classifications (1 of 4 stars). 13 submissions from 13 submitters: Uncertain significance (1); Benign (2); Likely benign (8). 2 of the submissions do not count toward it. Last evaluated 2026-06-05.

Conditions:
MSH6-related disorder. Also called: MSH6-related condition; MSH6-Related disorders.
Hereditary nonpolyposis colorectal neoplasms. Identifiers: MedGen C0009405, MeSH D003123.
Hereditary cancer-predisposing syndrome. Also called: Hereditary Cancer Syndrome; Tumor predisposition; Neoplastic Syndromes, Hereditary; Hereditary neoplastic syndrome. Identifiers: Orphanet 140162, MedGen C0027672, MeSH D009386, MONDO:0015356.
Lynch syndrome. Identifiers: Orphanet 144, MedGen C4552100, MONDO:0005835. Disease mechanism: loss of function.
Lynch syndrome 5 (LYNCH5). Also called: Hereditary non-polyposis colorectal cancer, type 5; Colorectal cancer, hereditary nonpolyposis, type 5. Identifiers: Orphanet 144, MedGen C1833477, MONDO:0013710, OMIM 614350. Disease mechanism: loss of function.

Allele frequency attached by ClinVar (database versions not stated): 1000 Genomes Project 30x 0.00031; 1000 Genomes Project 0.00040; gnomAD exomes 0.00002 and 0.00006; TOPMed 0.00003; ExAC 0.00005; gnomAD 0.00005 and 0.00006.
gnomAD v4.1: 44 of 1,614,156 alleles (0.0027%); highest among the groups gnomAD compares: East Asian, 0.04%; no homozygotes.

Submissions (13):

Women's Health and Genetics/Laboratory Corporation of America, LabCorp
Classification: Likely benign. Last evaluated: 2026-06-05. Review status: criteria provided, single submitter. Criteria: LabCorp Variant Classification Summary - May 2015. Collection method: clinical testing. Allele origin: germline.
Comment: Variant summary: MSH6 c.3762A>T (p.Glu1254Asp) results in a conservative amino acid change located in the C-terminal domain (IPR000432) of the encoded protein sequence. Algorithms developed to predict the effect of missense changes on protein structure and function are either unavailable or do not agree on the potential impact of this missense change. The variant allele was found at a frequency of 6e-05 in 251194 control chromosomes, predominantly at a frequency of 0.00076 within the East Asian subpopulation in the gnomAD database. The observed variant frequency within East Asian control individuals in the gnomAD database exceeds the estimated maximal expected allele frequency for disease-causing variants in MSH6. c.3762A>T has been observed in individual(s) affected withvarious tumor phenotypes, including colorectal cancer (Lin_2017, Young_2018, Chan_2018, Chrysafi_2023, Gong_2019, Dorling_2021), but was also found in several controls (Dorling_2021). These reports do not provide unequivocal conclusions about association of the variant with Hereditary Nonpolyposis Colorectal Cancer. To our knowledge, no experimental evidence demonstrating an impact on protein function has been reported. The following publications have been ascertained in the context of this evaluation (PMID: 22290698, 30093976, 38136308, 29945567, 31118792, 32068069, 33471991, 31308508, 31966835). ClinVar contains an entry for this variant (Variation ID: 89457). Based on the evidence outlined above, the variant was classified as likely benign.

Labcorp Genetics (formerly Invitae), Labcorp
Classification: Likely benign for Hereditary nonpolyposis colorectal neoplasms. Last evaluated: 2026-02-03. Review status: criteria provided, single submitter. Criteria: Invitae Variant Classification Sherloc (09022015). Collection method: clinical testing. Allele origin: germline.

Myriad Genetics, Inc.
Classification: Benign for Lynch syndrome 5. Last evaluated: 2025-08-21. Review status: criteria provided, single submitter. Criteria: Myriad Autosomal Dominant, Autosomal Recessive and X-Linked Classification Criteria (2023). Collection method: clinical testing. Allele origin: unknown.
Comment: This variant is considered benign. This variant is strongly associated with less severe personal and family histories of cancer, typical for individuals without pathogenic variants in this gene [PMID: 27363726]. Homozygosity for this variant has been confirmed in one or more individuals lacking clinical features consistent with gene-specific recessive disease, indicating that this variant is unlikely to be pathogenic.

PreventionGenetics, part of Exact Sciences
Classification: Likely benign for MSH6-related condition. Last evaluated: 2025-08-14. Review status: criteria provided, single submitter. Criteria: ACMG Guidelines, 2015. Collection method: clinical testing. Allele origin: germline.
Comment: This variant is classified as likely benign based on ACMG/AMP sequence variant interpretation guidelines (Richards et al. 2015 PMID: 25741868, with internal and published modifications).

Institute for Biomarker Research, Medical Diagnostic Laboratories, L.L.C.
Classification: Benign for Hereditary cancer-predisposing syndrome. Last evaluated: 2024-12-23. Review status: criteria provided, single submitter. Criteria: ACMG Guidelines, 2015. Collection method: clinical testing. Allele origin: germline.
Comment: The p.Glu1254Asp variant is observed in 14/18,392 (0.0761%) alleles from individuals of gnomAD East Asian background in gnomAD, which is greater than expected for the disorder. There is a small physicochemical difference between glutamic acid and aspartic acid, which is not likely to impact secondary protein structure as these residues share similar properties. For these reasons, this variant has been classified as Benign

All of Us Research Program, National Institutes of Health
Classification: Likely benign for Lynch syndrome. Last evaluated: 2023-12-13. Review status: criteria provided, single submitter. Criteria: ACMG Guidelines, 2015. Collection method: clinical testing. Allele origin: germline. Inheritance: Autosomal dominant inheritance. Observed: 13 variant alleles, 13 heterozygotes.
Comment: This study involves interpretation of variants in research participants for the purpose of population health screening. Participant phenotype was not available at the time of variant classification. Additional details can be found in publication PMID: 35346344, PMCID: PMC8962531

Quest Diagnostics Nichols Institute San Juan Capistrano
Classification: Likely benign. Last evaluated: 2023-05-12. Review status: criteria provided, single submitter. Criteria: Quest Diagnostics criteria. Collection method: clinical testing. Allele origin: unknown.

Sema4
Classification: Uncertain significance for Hereditary cancer-predisposing syndrome. Last evaluated: 2021-11-21. Review status: criteria provided, single submitter. Criteria: Sema4 Curation Guidelines. Collection method: curation. Allele origin: germline.
Comment: The MSH6 c.3762A>T (p.E1254D) variant has been reported in at least two individuals with colorectal cancer, including one individual meeting the Bethesda criteria for Lynch syndrome and one individual who also had lymphoma and paraganglioma (PMID 30521064, 30093976). This variant was observed in 15/19952 chromosomes in the East Asian subpopulation according to the Genome Aggregation Database (PMID: 32461654). This variant has been reported in ClinVar (Variation ID 89457). Functional studies have not been performed, and in silico predictions of the variant's effect on protein function are inconclusive. The overall evidence is insufficient to meet ACMG/AMP criteria for classifying it as benign or pathogenic. In summary, the clinical significance of this variant is currently uncertain.

GeneDx
Classification: Likely benign. Last evaluated: 2021-02-03. Review status: criteria provided, single submitter. Criteria: GeneDx Variant Classification Process June 2021. Collection method: clinical testing. Allele origin: germline. Affected: yes.
Comment: This variant is associated with the following publications: (PMID: 26333163, 22290698, 30521064, 30093976)

Color Diagnostics, LLC DBA Color Health
Classification: Likely benign for Hereditary cancer-predisposing syndrome. Last evaluated: 2020-02-10. Review status: criteria provided, single submitter. Criteria: ACMG Guidelines, 2015. Collection method: clinical testing. Allele origin: germline.

Ambry Genetics
Classification: Likely benign for Hereditary cancer-predisposing syndrome. Last evaluated: 2018-09-12. Review status: criteria provided, single submitter. Criteria: Ambry Variant Classification Scheme 2023. Collection method: clinical testing. Allele origin: germline.

Counsyl
Classification: Uncertain significance for Lynch syndrome 5. Last evaluated: 2015-11-24. Review status: no assertion criteria provided. Collection method: clinical testing. Allele origin: unknown. Not counted in ClinVar's aggregate classification.

Department of Pathology and Laboratory Medicine, Sinai Health System
Classification: Uncertain significance. Review status: no assertion criteria provided. Collection method: clinical testing. Allele origin: unknown. Affected: yes. Study: The Canadian Open Genetics Repository (COGR). Not counted in ClinVar's aggregate classification.
Comment: The MSH6 p.Glu1254Asp variant was identified as a somatic variant in a lung enteric adenocarcinoma sample (Lin 2017) and in a patient affected with Lynch syndrome, classified as a neutral variant by in silico models (Ali 2012). The variant was also identified in dbSNP (ID: rs375459388) as â€šÃ„ÃºWith other alleleâ€šÃ„Ã¹, ClinVar (as uncertain significance by InSiGHT, Invitae, GeneDx, Counsyl, Color Genomics, and Integrated Genetics, and as likely benign by Ambry Genetics), and Insight Colon Cancer Gene Variant Database (as uncertain significance). The variant was not identified in the COGR, Cosmic, MutDB, UMD-LSDB, Zhejiang University Database, Mismatch Repair Genes Variant Database, or Insight Hereditary Tumors Database. The variant was identified in control databases in 15 of 276930 chromosomes at a frequency of 0.00005 (Genome Aggregation Database Feb 27, 2017). The variant was observed in the following populations: Other in 1 of 6460 chromosomes (freq: 0.0002), European (Non-Finnish) in 1 of 126480 chromosomes (freq: 0.000008), and East Asian in 13 of 18866 chromosomes (freq: 0.0007). The East Asian allele frequency is 3 times greater than the maximal expected frequency of a pathogenic MSH6 allele (0.0002), increasing the likelihood that this may be a low frequency benign variant in the East Asian population. The variant was not observed in the African, Latino, Ashkenazi Jewish, Finnish, o South Asian populations. The variant occurs outside of the splicing consensus sequence and in silico or computational prediction software programs (SpliceSiteFinder, MaxEntScan, NNSPLICE, GeneSplicer, HumanSpliceFinder) do not predict a difference in splicing. The p.Glu1254 residue is conserved in mammals and computational analyses (PolyPhen-2, SIFT, AlignGVGD, BLOSUM, MutationTaster) provide inconsistent predictions regarding the impact to the protein; this information is not very predictive of pathogenicity. In summary, based on the above information, the clinical significance of this variant cannot be determined with certainty at this time. This variant is classified as a variant of uncertain significance.

Literature cited by the submitters: PubMed 22290698 (cited by Women's Health and Genetics/Laboratory Corporation of America, LabCorp and Quest Diagnostics Nichols Institute San Juan Capistrano); PubMed 30093976 (cited by 3 submitters); PubMed 29945567 (cited by Women's Health and Genetics/Laboratory Corporation of America, LabCorp); PubMed 31118792 (cited by Women's Health and Genetics/Laboratory Corporation of America, LabCorp and Quest Diagnostics Nichols Institute San Juan Capistrano); PubMed 32068069 (cited by Women's Health and Genetics/Laboratory Corporation of America, LabCorp and Quest Diagnostics Nichols Institute San Juan Capistrano); PubMed 33471991 (cited by Women's Health and Genetics/Laboratory Corporation of America, LabCorp and Quest Diagnostics Nichols Institute San Juan Capistrano); PubMed 31308508 (cited by Women's Health and Genetics/Laboratory Corporation of America, LabCorp and Quest Diagnostics Nichols Institute San Juan Capistrano); PubMed 31966835 (cited by Women's Health and Genetics/Laboratory Corporation of America, LabCorp and Quest Diagnostics Nichols Institute San Juan Capistrano); PubMed 38136308 (cited by Women's Health and Genetics/Laboratory Corporation of America, LabCorp); PubMed 27363726 (cited by Myriad Genetics, Inc.); PubMed 35449176 (cited by Quest Diagnostics Nichols Institute San Juan Capistrano); PubMed 30521064 (cited by Quest Diagnostics Nichols Institute San Juan Capistrano and Sema4).

NM_000179.3(MSH6):c.3762A>T (p.Glu1254Asp)

Gene: MSH6 (mutS homolog 6; plus strand). Cytogenetic location: 2p16.3.
Variant type: single nucleotide variant.
Coding change: c.3762A>T on transcript NM_000179.3 (MANE Select); coding-DNA position 3762, A replaced by T.
Protein change: p.Glu1254Asp; replaces glutamic acid 1254 with aspartic acid.
Molecular consequence: missense variant.
Genome position (GRCh38, 1-based): chr2:47,806,319, A>T. VCF-style: chr2-47806319-A-T. GRCh37 (hg19) VCF-style: chr2-48033458-A-T.
Other names: p.E1254D:GAA>GAT; c.3372A>T, p.Glu1124Asp (NM_001281492.2); c.2856A>T, p.Glu952Asp (NM_001281493.2, NM_001281494.2); short protein forms E1254D, E952D, E1124D.
Identifiers: ClinVar variation 89457 (VCV000089457.40), dbSNP rs375459388, ClinGen allele CA014214.